The following is an entry in ClinVar:

NM_025179.4(PLXNA2):c.63C>G (p.Leu21=)

Gene: PLXNA2 (plexin A2; minus strand). Cytogenetic location: 1q32.2.
Variant type: single nucleotide variant.
Coding change: c.63C>G on transcript NM_025179.4 (MANE Select); coding-DNA position 63, C replaced by G.
Protein change: p.Leu21=; no amino-acid change (leucine 21 retained).
Molecular consequence: synonymous variant.
Genome position (GRCh38, 1-based): chr1:208,217,860, G>C on the plus strand (C>G on the coding strand, the complement: PLXNA2 is on the minus strand). VCF-style: chr1-208217860-G-C. GRCh37 (hg19) VCF-style: chr1-208391205-G-C.
Identifiers: ClinVar variation 3350554 (VCV003350554.1).
Genomic context (GRCh38, chr1:208,217,860, plus strand): 5'-GAAGGTGCTGAACTGAGGCATGCCGGCTGCTGGGGGGGCCAGCAGCACCCAGACCACTGA[G>C]AGCAGGACCACAGAGCGGCTGTCCACCTCCAGGGCCCGGGGCCAGGGCCGCCTCTGTTCC-3'
Protein context (NP_079455.3, residues 11-31): LEVDSRSVVL[Leu21=]SVVWVLLAPP

ClinVar aggregate classification (germline): Likely benign (0 of 4 stars; one submission).

Conditions:
PLXNA2-related disorder. Also called: PLXNA2-related condition.

gnomAD v4.1: 11 of 1,613,600 alleles (0.00068%); highest among the groups gnomAD compares: South Asian, 0.0011%; no homozygotes.

Submission:

PreventionGenetics, part of Exact Sciences
Classification: Likely benign for PLXNA2-related condition. Last evaluated: 2023-01-10. Review status: no assertion criteria provided. Collection method: clinical testing. Allele origin: germline.
Comment: This variant is classified as likely benign based on ACMG/AMP sequence variant interpretation guidelines (Richards et al. 2015 PMID: 25741868, with internal and published modifications).